The following is an entry in ClinVar:

ClinVar aggregate classification (germline): Likely benign. Review status: criteria provided, multiple submitters, no conflicts (2 of 4 stars). 2 submissions from 2 submitters: Likely benign (2). Last evaluated 2026-08-01.

Conditions:
Cardiovascular phenotype. Identifiers: MedGen CN230736.

Submissions (2):

CeGaT Center for Human Genetics Tuebingen
Classification: Likely benign. Last evaluated: 2026-08-01. Review status: criteria provided, single submitter. Criteria: CeGaT Center For Human Genetics Tuebingen Variant Classification Criteria Version 2. Collection method: clinical testing. Allele origin: germline. Affected: yes. Observed: 2 variant alleles.
Comment: ALMS1: BP4, BP7

Ambry Genetics
Classification: Likely benign for Cardiovascular phenotype. Last evaluated: 2023-09-01. Review status: criteria provided, single submitter. Criteria: Ambry Variant Classification Scheme 2023. Collection method: clinical testing. Allele origin: germline.

NM_001378454.1(ALMS1):c.2304A>G (p.Glu768=)

Gene: ALMS1 (ALMS1 centrosome and basal body associated protein; plus strand). Cytogenetic location: 2p13.1.
Variant type: single nucleotide variant.
Coding change: c.2304A>G on transcript NM_001378454.1 (MANE Select); coding-DNA position 2304, A replaced by G.
Protein change: p.Glu768=; no amino-acid change (glutamic acid 768 retained).
Molecular consequence: synonymous variant.
Genome position (GRCh38, 1-based): chr2:73,448,831, A>G. VCF-style: chr2-73448831-A-G. GRCh37 (hg19) VCF-style: chr2-73675958-A-G.
Other names: c.2307A>G, p.Glu769= (NM_015120.4).
Identifiers: ClinVar variation 2626208 (VCV002626208.24), dbSNP rs1468378424, ClinGen allele CA427019607.